The following is an entry in ClinVar:

ClinVar aggregate classification (germline): Likely benign. Review status: criteria provided, multiple submitters, no conflicts (2 of 4 stars). 3 submissions from 3 submitters: Likely benign (2). 1 of the submissions does not count toward it. Last evaluated 2026-03-01.

Conditions:
ZFHX3-related disorder. Also called: ZFHX3-related condition.

Allele frequency attached by ClinVar (database versions not stated): 1000 Genomes Project 0.00280; 1000 Genomes Project 30x 0.00297; ExAC 0.00504; gnomAD exomes 0.00538 and 0.00735; ESP Exome Variant Server 0.00554; gnomAD 0.00562 and 0.00593; TOPMed 0.00625.
gnomAD v4.1: 11,555 of 1,614,178 alleles (0.72%); highest among the groups gnomAD compares: Non-Finnish European, 0.86%; 58 homozygotes.

Submissions (3):

CeGaT Center for Human Genetics Tuebingen
Classification: Likely benign. Last evaluated: 2026-03-01. Review status: criteria provided, single submitter. Criteria: CeGaT Center For Human Genetics Tuebingen Variant Classification Criteria Version 2. Collection method: clinical testing. Allele origin: germline. Affected: yes. Observed: 11 variant alleles.
Comment: ZFHX3: BP4, BS2

Labcorp Genetics (formerly Invitae), Labcorp
Classification: Likely benign. Last evaluated: 2019-12-31. Review status: criteria provided, single submitter. Criteria: Invitae Variant Classification Sherloc (09022015). Collection method: clinical testing. Allele origin: germline.

PreventionGenetics, part of Exact Sciences
Classification: Benign for ZFHX3-related condition. Last evaluated: 2019-05-13. Review status: no assertion criteria provided. Collection method: clinical testing. Allele origin: germline. Not counted in ClinVar's aggregate classification.
Comment: This variant is classified as benign based on ACMG/AMP sequence variant interpretation guidelines (Richards et al. 2015 PMID: 25741868, with internal and published modifications).

NM_006885.4(ZFHX3):c.1753G>A (p.Gly585Ser)

Gene: ZFHX3 (zinc finger homeobox 3; minus strand). Cytogenetic location: 16q22.3.
Variant type: single nucleotide variant.
Coding change: c.1753G>A on transcript NM_006885.4 (MANE Select); coding-DNA position 1753, G replaced by A.
Protein change: p.Gly585Ser; replaces glycine 585 with serine.
Molecular consequence: missense variant. On other transcripts: intron variant (1).
Genome position (GRCh38, 1-based): chr16:72,958,393, C>T on the plus strand (G>A on the coding strand, the complement: ZFHX3 is on the minus strand). VCF-style: chr16-72958393-C-T. GRCh37 (hg19) VCF-style: chr16-72992292-C-T.
Other names: c.-23-7428G>A (NM_001164766.2); short protein forms G585S.
Identifiers: ClinVar variation 769904 (VCV000769904.42), dbSNP rs140602496, ClinGen allele CA8164641.